The following is an entry in ClinVar:

ClinVar aggregate classification (germline): Uncertain significance (1 of 4 stars; one submission).

Conditions:
Congenital myasthenic syndrome 8. Also called: MYASTHENIC SYNDROME, CONGENITAL, DUE TO AGRIN DEFICIENCY; Myasthenic syndrome, congenital, 8, with pre- and postsynaptic defects. Identifiers: Orphanet 590, MedGen C3808739, MONDO:0014052, OMIM 615120.

Allele frequency attached by ClinVar (database versions not stated): TOPMed 0.00001; ExAC 0.00001; gnomAD exomes 0.00001.

Submission:

Labcorp Genetics (formerly Invitae), Labcorp
Classification: Uncertain significance for Congenital myasthenic syndrome 8. Last evaluated: 2023-10-03. Review status: criteria provided, single submitter. Criteria: Invitae Variant Classification Sherloc (09022015). Collection method: clinical testing. Allele origin: germline.
Comment: This sequence change replaces glycine, which is neutral and non-polar, with arginine, which is basic and polar, at codon 1926 of the AGRN protein (p.Gly1926Arg). The frequency data for this variant in the population databases is considered unreliable, as metrics indicate poor data quality at this position in the gnomAD database. This variant has not been reported in the literature in individuals affected with AGRN-related conditions. ClinVar contains an entry for this variant (Variation ID: 1016802). An algorithm developed to predict the effect of missense changes on protein structure and function (PolyPhen-2) suggests that this variant is likely to be disruptive. In summary, the available evidence is currently insufficient to determine the role of this variant in disease. Therefore, it has been classified as a Variant of Uncertain Significance.

NM_198576.4(AGRN):c.5776G>A (p.Gly1926Arg)

Gene: AGRN (agrin; plus strand). Cytogenetic location: 1p36.33.
Variant type: single nucleotide variant.
Coding change: c.5776G>A on transcript NM_198576.4 (MANE Select); coding-DNA position 5776, G replaced by A.
Protein change: p.Gly1926Arg; replaces glycine 1926 with arginine.
Molecular consequence: missense variant.
Genome position (GRCh38, 1-based): chr1:1,053,877, G>A. VCF-style: chr1-1053877-G-A. GRCh37 (hg19) VCF-style: chr1-989257-G-A.
Other names: c.5845G>A, p.Gly1949Arg (NM_001305275.2); c.5473G>A, p.Gly1825Arg (NM_001364727.2); short protein forms G1825R, G1926R, G1949R.
Identifiers: ClinVar variation 1016802 (VCV001016802.6), dbSNP rs761747211, ClinGen allele CA510232.